The following is an entry in ClinVar:

NM_182961.4(SYNE1):c.2116A>T (p.Met706Leu)

Gene: SYNE1 (spectrin repeat containing nuclear envelope protein 1; minus strand). Cytogenetic location: 6q25.2.
Variant type: single nucleotide variant.
Coding change: c.2116A>T on transcript NM_182961.4 (MANE Select); coding-DNA position 2116, A replaced by T.
Protein change: p.Met706Leu; replaces methionine 706 with leucine.
Molecular consequence: missense variant.
Genome position (GRCh38, 1-based): chr6:152,462,872, T>A on the plus strand (A>T on the coding strand, the complement: SYNE1 is on the minus strand). VCF-style: chr6-152462872-T-A. GRCh37 (hg19) VCF-style: chr6-152784007-T-A.
Other names: c.2137A>T, p.Met713Leu (NM_033071.5); short protein forms M706L, M713L.
Identifiers: ClinVar variation 861831 (VCV000861831.9), dbSNP rs2098742431, ClinGen allele CA366123211.

ClinVar aggregate classification (germline): Uncertain significance (1 of 4 stars; one submission).

Conditions:
Emery-Dreifuss muscular dystrophy 4, autosomal dominant (EDMD4). Also called: EMERY-DREIFUSS MUSCULAR DYSTROPHY 4 WITH VARIABLE FEATURES. Identifiers: Orphanet 261, MedGen C2751807, MONDO:0013071, OMIM 612998.
Autosomal recessive ataxia, Beauce type. Also called: ATAXIA, RECESSIVE, OF BEAUCE; SYNE1 Deficiency; Spinocerebellar ataxia, autosomal recessive 8; SYNE1-Related Autosomal Recessive Cerebellar Ataxia. Identifiers: Orphanet 88644, MedGen C1853116, MONDO:0012549, OMIM 610743.

Allele frequency attached by ClinVar (database versions not stated): TOPMed below 0.00001.

Submission:

Labcorp Genetics (formerly Invitae), Labcorp
Classification: Uncertain significance for Emery-Dreifuss muscular dystrophy 4, autosomal dominant; Autosomal recessive ataxia, Beauce type. Last evaluated: 2022-07-26. Review status: criteria provided, single submitter. Criteria: Invitae Variant Classification Sherloc (09022015). Collection method: clinical testing. Allele origin: germline.
Comment: In summary, the available evidence is currently insufficient to determine the role of this variant in disease. Therefore, it has been classified as a Variant of Uncertain Significance. Algorithms developed to predict the effect of missense changes on protein structure and function output the following: SIFT: "Tolerated"; PolyPhen-2: "Benign"; Align-GVGD: "Class C0". The leucine amino acid residue is found in multiple mammalian species, which suggests that this missense change does not adversely affect protein function. ClinVar contains an entry for this variant (Variation ID: 861831). This variant has not been reported in the literature in individuals affected with SYNE1-related conditions. This variant is not present in population databases (gnomAD no frequency). This sequence change replaces methionine, which is neutral and non-polar, with leucine, which is neutral and non-polar, at codon 713 of the SYNE1 protein (p.Met713Leu).